The following is an entry in ClinVar:

NM_004304.5(ALK):c.4369A>C (p.Thr1457Pro)

Gene: ALK (ALK receptor tyrosine kinase; minus strand). Cytogenetic location: 2p23.2.
Variant type: single nucleotide variant.
Coding change: c.4369A>C on transcript NM_004304.5 (MANE Select); coding-DNA position 4369, A replaced by C.
Protein change: p.Thr1457Pro; replaces threonine 1457 with proline.
Molecular consequence: missense variant.
Genome position (GRCh38, 1-based): chr2:29,193,718, T>G on the plus strand (A>C on the coding strand, the complement: ALK is on the minus strand). VCF-style: chr2-29193718-T-G. GRCh37 (hg19) VCF-style: chr2-29416584-T-G.
Other names: c.1165A>C, p.Thr389Pro (NM_001353765.2); short protein forms T389P, T1457P.
Identifiers: ClinVar variation 2903404 (VCV002903404.3), dbSNP rs2148138558, ClinGen allele CA346462363.

ClinVar aggregate classification (germline): Uncertain significance (1 of 4 stars; one submission).

Conditions:
Neuroblastoma, susceptibility to, 3. Also called: ALK-Related Neuroblastic Tumor Susceptibility. Identifiers: Orphanet 635, MedGen C2751681, MONDO:0013083, OMIM 613014.

Submission:

Labcorp Genetics (formerly Invitae), Labcorp
Classification: Uncertain significance for Neuroblastoma, susceptibility to, 3. Last evaluated: 2025-07-31. Review status: criteria provided, single submitter. Criteria: Invitae Variant Classification Sherloc (09022015). Collection method: clinical testing. Allele origin: germline.
Comment: This sequence change replaces threonine, which is neutral and polar, with proline, which is neutral and non-polar, at codon 1457 of the ALK protein (p.Thr1457Pro). This variant is not present in population databases (gnomAD no frequency). This variant has not been reported in the literature in individuals affected with ALK-related conditions. ClinVar contains an entry for this variant (Variation ID: 2903404). An algorithm developed to predict the effect of missense changes on protein structure and function outputs the following: PolyPhen-2: "Benign". The proline amino acid residue is found in multiple mammalian species, which suggests that this missense change does not adversely affect protein function. In summary, the available evidence is currently insufficient to determine the role of this variant in disease. Therefore, it has been classified as a Variant of Uncertain Significance.